The following is an entry in ClinVar:

NM_001035.3(RYR2):c.8577G>C (p.Glu2859Asp)

Gene: RYR2 (ryanodine receptor 2; plus strand). Cytogenetic location: 1q43.
Variant type: single nucleotide variant.
Coding change: c.8577G>C on transcript NM_001035.3 (MANE Select); coding-DNA position 8577, G replaced by C.
Protein change: p.Glu2859Asp; replaces glutamic acid 2859 with aspartic acid.
Molecular consequence: missense variant.
Genome position (GRCh38, 1-based): chr1:237,667,945, G>C. VCF-style: chr1-237667945-G-C. GRCh37 (hg19) VCF-style: chr1-237831245-G-C.
Other names: short protein forms E2859D.
Identifiers: ClinVar variation 4082884 (VCV004082884.1).
Genomic context (GRCh38, chr1:237,667,945, plus strand): 5'-TATGGCAGAAATGATGGCTGAAAACTACCATAATATATGGGCAAAGAAAAAGAAAATGGA[G>C]TTGGAGTCCAAAGGTAATATTTTCTAAAAACGTTTATTAAAAAATAATCTGAGCTCAATT-3'
Protein context (NP_001026.2, residues 2849-2869): HNIWAKKKKM[Glu2859Asp]LESKGGGNHP

ClinVar aggregate classification (germline): Uncertain significance (1 of 4 stars; one submission).

gnomAD v4.1: 5 of 1,575,200 alleles (0.00032%); highest among the groups gnomAD compares: South Asian, 0.0047%; no homozygotes.

Submission:

GeneDx
Classification: Uncertain significance. Last evaluated: 2025-03-05. Review status: criteria provided, single submitter. Criteria: GeneDx Variant Classification Process June 2021. Collection method: clinical testing. Allele origin: germline. Affected: yes.
Comment: Not observed at significant frequency in large population cohorts (gnomAD); In silico analysis supports that this missense variant has a deleterious effect on protein structure/function; Has not been previously published as pathogenic or benign to our knowledge; Not located in one of the three hot-spot regions of the RYR2 gene, where the majority of pathogenic missense variants occur (PMID: 19926015); This variant is associated with the following publications: (PMID: 19926015)